The following is an entry in ClinVar:

ClinVar aggregate classification (germline): Uncertain significance. Review status: criteria provided, multiple submitters, no conflicts (2 of 4 stars). 4 submissions from 4 submitters: Uncertain significance (4). Last evaluated 2025-10-27.

Conditions:
Cardiovascular phenotype. Identifiers: MedGen CN230736.
Dilated cardiomyopathy 1C (CMD1C). Also called: CARDIOMYOPATHY, DILATED, 1C, WITH OR WITHOUT LEFT VENTRICULAR NONCOMPACTION; Cardiomyopathy, dilated, 1C, with or without LVNC. Identifiers: Orphanet 154, Orphanet 54260, MedGen C1832244, MONDO:0011094, OMIM 601493.
Myofibrillar myopathy 4. Also called: Zaspopathy (type). Identifiers: Orphanet 98912, MedGen C4721886, MONDO:0012277, OMIM 609452.

Allele frequency attached by ClinVar (database versions not stated): gnomAD exomes below 0.00001 and 0.00001.
gnomAD v4.1: 10 of 1,613,704 alleles (0.00062%); highest among the groups gnomAD compares: Non-Finnish European, 0.00059%; no homozygotes.

Submissions (4):

Ambry Genetics
Classification: Uncertain significance for Cardiovascular phenotype. Last evaluated: 2025-10-27. Review status: criteria provided, single submitter. Criteria: Ambry Variant Classification Scheme 2023. Collection method: clinical testing. Allele origin: germline.
Comment: The p.R487C variant (also known as c.1459C>T), located in coding exon 9 of the LDB3 gene, results from a C to T substitution at nucleotide position 1459. The arginine at codon 487 is replaced by cysteine, an amino acid with highly dissimilar properties. This amino acid position is conserved. In addition, the in silico prediction for this alteration is inconclusive. Based on the available evidence, the clinical significance of this variant remains unclear.

Labcorp Genetics (formerly Invitae), Labcorp
Classification: Uncertain significance for Myofibrillar myopathy 4. Last evaluated: 2024-09-14. Review status: criteria provided, single submitter. Criteria: Invitae Variant Classification Sherloc (09022015). Collection method: clinical testing. Allele origin: germline.
Comment: The LDB3 gene has multiple clinically relevant transcripts. This variant occurs in alternate transcript NM_007078.3, and corresponds to NM_001080116.1:c.*17180C>T in the primary transcript. This sequence change replaces arginine, which is basic and polar, with cysteine, which is neutral and slightly polar, at codon 487 of the LDB3 protein (p.Arg487Cys). This variant is present in population databases (no rsID available, gnomAD 0.004%). This variant has not been reported in the literature in individuals affected with LDB3-related conditions. Experimental studies and prediction algorithms are not available or were not evaluated, and the functional significance of this variant is currently unknown. In summary, the available evidence is currently insufficient to determine the role of this variant in disease. Therefore, it has been classified as a Variant of Uncertain Significance.

Blueprint Genetics
Classification: Uncertain significance. Last evaluated: 2023-02-23. Review status: criteria provided, single submitter. Criteria: ACMG Guidelines, 2015. Collection method: clinical testing. Allele origin: germline.

Fulgent Genetics
Classification: Uncertain significance for Dilated cardiomyopathy 1C; Myofibrillar myopathy 4. Last evaluated: 2021-08-23. Review status: criteria provided, single submitter. Criteria: ACMG Guidelines, 2015. Collection method: clinical testing. Allele origin: unknown.

NM_007078.3(LDB3):c.1459C>T (p.Arg487Cys)

Gene: LDB3 (LIM domain binding 3; plus strand). Cytogenetic location: 10q23.2.
Variant type: single nucleotide variant.
Coding change: c.1459C>T on transcript NM_007078.3 (MANE Select); coding-DNA position 1459, C replaced by T.
Protein change: p.Arg487Cys; replaces arginine 487 with cysteine.
Molecular consequence: missense variant.
Genome position (GRCh38, 1-based): chr10:86,716,554, C>T. VCF-style: chr10-86716554-C-T. GRCh37 (hg19) VCF-style: chr10-88476311-C-T.
Other names: c.1129C>T, p.Arg377Cys (NM_001080114.2); c.1474C>T, p.Arg492Cys (NM_001171610.2); c.1270C>T, p.Arg424Cys (NM_001368064.1, NM_001368065.1); c.1318C>T, p.Arg440Cys (NM_001368066.1); short protein forms R440C, R487C, R377C, R424C, R492C.
Identifiers: ClinVar variation 967769 (VCV000967769.14), dbSNP rs950395877, ClinGen allele CA211205381.
Genomic context (GRCh38, chr10:86,716,554, plus strand): 5'-CCCAACTATAACCCTGCACCCTCGGTGGCCTACAGCGGGGGCCCTGCGGAGCCTGCCAGC[C>T]GTCCACCCTGGGTGACAGATGATAGCTTCTCCCAGAAGTTTGCCCCGGGCAAGAGCACCA-3'
Protein context (NP_009009.1, residues 477-497): YSGGPAEPAS[Arg487Cys]PPWVTDDSFS